The following is an entry in ClinVar:

NM_001242896.3(DEPDC5):c.1454G>A (p.Arg485Gln)

Gene: DEPDC5 (DEP domain containing 5, GATOR1 subcomplex subunit; plus strand). Cytogenetic location: 22q12.3.
Variant type: single nucleotide variant.
Coding change: c.1454G>A on transcript NM_001242896.3 (MANE Select); coding-DNA position 1454, G replaced by A.
Protein change: p.Arg485Gln; replaces arginine 485 with glutamine.
Molecular consequence: missense variant. On other transcripts: non-coding transcript variant (5).
Genome position (GRCh38, 1-based): chr22:31,815,000, G>A. VCF-style: chr22-31815000-G-A. GRCh37 (hg19) VCF-style: chr22-32210986-G-A.
Other names: c.1454G>A, p.Arg485Gln (NM_001007188.4, NM_001136029.4, NM_001242897.2 and 7 more transcripts); c.1370G>A, p.Arg457Gln (NM_001369901.1, NM_001369902.1); short protein forms R485Q, R457Q.
Identifiers: ClinVar variation 264757 (VCV000264757.7), dbSNP rs886039278, ClinGen allele CA10588041.
Genomic context (GRCh38, chr22:31,815,000, plus strand): 5'-GGTAGGACAGCATCCCTCGCTTGATGGTAACTTTTTGTCTCTTGCCTGGCAGATCTGTGC[G>A]AGAGCGAGAGAGTCACAGTCGAAAGAGTGCCAGCTCCTGTGATGTTTCATCCAGCCCTTC-3'
Protein context (NP_001229825.1, residues 475-495): AQCLTTCRSV[Arg485Gln]ERESHSRKSA

ClinVar aggregate classification (germline): Uncertain significance. Review status: criteria provided, single submitter (1 of 4 stars). 2 submissions from 2 submitters: Uncertain significance (1). 1 of the submissions does not count toward it. Last evaluated 2022-12-01.

Conditions:
Familial focal epilepsy with variable foci (FPEVF). Identifiers: Orphanet 98820, MedGen C1858477, MONDO:0020310.
Epilepsy, familial focal, with variable foci 1 (FFEVF1). Also called: DEPDC5-Related Epilepsy. Identifiers: MedGen C4551983, MONDO:0024556, OMIM 604364.

Allele frequency attached by ClinVar (database versions not stated): gnomAD 0.00001; gnomAD exomes 0.00001 and below 0.00001; TOPMed 0.00001.
gnomAD v4.1: 10 of 1,613,938 alleles (0.00062%); highest among the groups gnomAD compares: South Asian, 0.0044%; no homozygotes.

Submissions (2):

Labcorp Genetics (formerly Invitae), Labcorp
Classification: Uncertain significance for Familial focal epilepsy with variable foci. Last evaluated: 2022-12-01. Review status: criteria provided, single submitter. Criteria: Invitae Variant Classification Sherloc (09022015). Collection method: clinical testing. Allele origin: germline.
Comment: In summary, the available evidence is currently insufficient to determine the role of this variant in disease. Therefore, it has been classified as a Variant of Uncertain Significance. Experimental studies have shown that this missense change affects DEPDC5 function (PMID: 25366275, 29761115). Algorithms developed to predict the effect of missense changes on protein structure and function are either unavailable or do not agree on the potential impact of this missense change (SIFT: "Tolerated"; PolyPhen-2: "Not Available"; Align-GVGD: "Class C0"). ClinVar contains an entry for this variant (Variation ID: 264757). This missense change has been observed in individual(s) with DEPDC5-related conditions (PMID: 23542701). This variant is present in population databases (no rsID available, gnomAD 0.003%). This sequence change replaces arginine, which is basic and polar, with glutamine, which is neutral and polar, at codon 485 of the DEPDC5 protein (p.Arg485Gln).

GeneReviews
No classification provided. Condition: Epilepsy, familial focal, with variable foci 1. Review status: no classification provided. Collection method: literature only. Allele origin: germline. Affected: yes. Not counted in ClinVar's aggregate classification.

Literature cited by the submitters: PubMed 25366275 (cited by Labcorp Genetics (formerly Invitae), Labcorp); PubMed 29761115 (cited by Labcorp Genetics (formerly Invitae), Labcorp); PubMed 23542701 (cited by Labcorp Genetics (formerly Invitae), Labcorp and GeneReviews); NCBI Bookshelf NBK385626 (cited by GeneReviews).